The following is an entry in ClinVar:

ClinVar aggregate classification (germline): Uncertain significance. Review status: criteria provided, multiple submitters, no conflicts (2 of 4 stars). 2 submissions from 2 submitters: Uncertain significance (2). Last evaluated 2024-08-16.

Conditions:
Hereditary cancer-predisposing syndrome. Also called: Hereditary neoplastic syndrome; Neoplastic Syndromes, Hereditary; Tumor predisposition; Hereditary Cancer Syndrome. Identifiers: Orphanet 140162, MedGen C0027672, MeSH D009386, MONDO:0015356.
Neuroblastoma, susceptibility to, 3. Also called: ALK-Related Neuroblastic Tumor Susceptibility. Identifiers: Orphanet 635, MedGen C2751681, MONDO:0013083, OMIM 613014.

gnomAD v4.1: 2 of 1,553,012 alleles (0.00013%); highest among the groups gnomAD compares: East Asian, 0.0024%; no homozygotes.

Submissions (2):

Ambry Genetics
Classification: Uncertain significance for Hereditary cancer-predisposing syndrome. Last evaluated: 2024-08-16. Review status: criteria provided, single submitter. Criteria: Ambry Variant Classification Scheme 2023. Collection method: clinical testing. Allele origin: germline.
Comment: The p.W110R variant (also known as c.328T>A), located in coding exon 1 of the ALK gene, results from a T to A substitution at nucleotide position 328. The tryptophan at codon 110 is replaced by arginine, an amino acid with dissimilar properties. This amino acid position is conserved. In addition, this alteration is predicted to be tolerated by in silico analysis. Since supporting evidence is limited at this time, the clinical significance of this alteration remains unclear.

Labcorp Genetics (formerly Invitae), Labcorp
Classification: Uncertain significance for Neuroblastoma, susceptibility to, 3. Last evaluated: 2024-01-06. Review status: criteria provided, single submitter. Criteria: Invitae Variant Classification Sherloc (09022015). Collection method: clinical testing. Allele origin: germline.
Comment: This sequence change replaces tryptophan, which is neutral and slightly polar, with arginine, which is basic and polar, at codon 110 of the ALK protein (p.Trp110Arg). This variant is not present in population databases (gnomAD no frequency). This variant has not been reported in the literature in individuals affected with ALK-related conditions. ClinVar contains an entry for this variant (Variation ID: 1047773). Algorithms developed to predict the effect of missense changes on protein structure and function output the following: SIFT: "Not Available"; PolyPhen-2: "Benign"; Align-GVGD: "Not Available". The arginine amino acid residue is found in multiple mammalian species, which suggests that this missense change does not adversely affect protein function. In summary, the available evidence is currently insufficient to determine the role of this variant in disease. Therefore, it has been classified as a Variant of Uncertain Significance.

NM_004304.5(ALK):c.328T>A (p.Trp110Arg)

Gene: ALK (ALK receptor tyrosine kinase; minus strand). Cytogenetic location: 2p23.1.
Variant type: single nucleotide variant.
Coding change: c.328T>A on transcript NM_004304.5 (MANE Select); coding-DNA position 328, T replaced by A.
Protein change: p.Trp110Arg; replaces tryptophan 110 with arginine.
Molecular consequence: missense variant.
Genome position (GRCh38, 1-based): chr2:29,920,332, A>T on the plus strand (T>A on the coding strand, the complement: ALK is on the minus strand). VCF-style: chr2-29920332-A-T. GRCh37 (hg19) VCF-style: chr2-30143198-A-T.
Other names: short protein forms W110R.
Identifiers: ClinVar variation 1047773 (VCV001047773.12), dbSNP rs1572503431, ClinGen allele CA346590255.